The following is an entry in ClinVar:

ClinVar aggregate classification (germline): Uncertain significance (1 of 4 stars; one submission).

Conditions:
Congenital myopathy 4B, autosomal recessive. Also called: Nemaline myopathy 1, autosomal dominant or recessive. Identifiers: Orphanet 171433, Orphanet 171439, Orphanet 171881, MedGen C5829889, MONDO:0012239, OMIM 609284.
Congenital myopathy with fiber type disproportion. Also called: Congenital fiber-type disproportion; Congenital fiber-type disproportion myopathy. Identifiers: Orphanet 2020, MedGen C0546264, MONDO:0009711. Inheritance: all.

Submission:

Labcorp Genetics (formerly Invitae), Labcorp
Classification: Uncertain significance for Congenital myopathy with fiber type disproportion; Congenital myopathy 4B, autosomal recessive. Last evaluated: 2024-02-24. Review status: criteria provided, single submitter. Criteria: Invitae Variant Classification Sherloc (09022015). Collection method: clinical testing. Allele origin: germline.
Comment: This sequence change replaces glutamic acid, which is acidic and polar, with lysine, which is basic and polar, at codon 55 of the TPM3 protein (p.Glu55Lys). This variant is not present in population databases (gnomAD no frequency). This variant has not been reported in the literature in individuals affected with TPM3-related conditions. ClinVar contains an entry for this variant (Variation ID: 1366204). Advanced modeling of protein sequence and biophysical properties (such as structural, functional, and spatial information, amino acid conservation, physicochemical variation, residue mobility, and thermodynamic stability) performed at Invitae indicates that this missense variant is not expected to disrupt TPM3 protein function with a negative predictive value of 80%. In summary, the available evidence is currently insufficient to determine the role of this variant in disease. Therefore, it has been classified as a Variant of Uncertain Significance.

NM_152263.4(TPM3):c.163G>A (p.Glu55Lys)

Gene: TPM3 (tropomyosin 3; minus strand). Cytogenetic location: 1q21.3.
Variant type: single nucleotide variant.
Coding change: c.163G>A on transcript NM_152263.4 (MANE Select); coding-DNA position 163, G replaced by A.
Protein change: p.Glu55Lys; replaces glutamic acid 55 with lysine.
Molecular consequence: missense variant. On other transcripts: non-coding transcript variant (1).
Genome position (GRCh38, 1-based): chr1:154,191,266, C>T on the plus strand (G>A on the coding strand, the complement: TPM3 is on the minus strand). VCF-style: chr1-154191266-C-T. GRCh37 (hg19) VCF-style: chr1-154163742-C-T.
Other names: c.163G>A, p.Glu55Lys (NM_001364679.2, NM_001364680.2, NM_001364681.2 and 1 more transcripts); short protein forms E55K.
Identifiers: ClinVar variation 1366204 (VCV001366204.8), dbSNP rs2148294608, ClinGen allele CA342587224.